The following is an entry in ClinVar:

NM_018917.4(PCDHGA4):c.1049T>C (p.Val350Ala)

Genes: PCDHG@ (protocadherin gamma cluster; plus strand), PCDHGA1 (protocadherin gamma subfamily A, 1; plus strand), PCDHGA2 (protocadherin gamma subfamily A, 2; plus strand), PCDHGA3 (protocadherin gamma subfamily A, 3; plus strand), PCDHGA4 (protocadherin gamma subfamily A, 4; plus strand) and 1 more. Cytogenetic location: 5q31.3.
Variant type: single nucleotide variant.
Coding change: c.1049T>C on transcript NM_018917.4 (MANE Select); coding-DNA position 1049, T replaced by C.
Protein change: p.Val350Ala; replaces valine 350 with alanine.
Molecular consequence: missense variant. On other transcripts: intron variant (4).
Genome position (GRCh38, 1-based): chr5:141,356,156, T>C. VCF-style: chr5-141356156-T-C. GRCh37 (hg19) VCF-style: chr5-140735723-T-C.
Other names: c.1049T>C, p.Val350Ala (NM_032053.3); c.2421+23051T>C (NM_018912.3); c.2424+14761T>C (NM_018915.4); c.2424+9699T>C (NM_018916.4); c.2409+3487T>C (NM_018922.3); short protein forms V350A.
Identifiers: ClinVar variation 3209935 (VCV003209935.2), dbSNP rs562303967, ClinGen allele CA3469079.

ClinVar aggregate classification (germline): Uncertain significance (1 of 4 stars; one submission).

Allele frequency attached by ClinVar (database versions not stated): 1000 Genomes Project 30x 0.00016; 1000 Genomes Project 0.00020; ExAC 0.00007; gnomAD 0.00007; TOPMed 0.00019; gnomAD exomes 0.00002.
gnomAD v4.1: 37 of 1,613,352 alleles (0.0023%); highest among the groups gnomAD compares: Admixed American, 0.023%; no homozygotes.

Submission:

Ambry Genetics
Classification: Uncertain significance. Last evaluated: 2026-05-19. Review status: criteria provided, single submitter. Criteria: Ambry Variant Classification Scheme 2023. Collection method: clinical testing. Allele origin: germline.
Comment: The c.956T>C (p.V319A) alteration is located in exon 1 (coding exon 1) of the PCDHGA4 gene. This alteration results from a T to C substitution at nucleotide position 956, causing the valine (V) at amino acid position 319 to be replaced by an alanine (A). Based on data from gnomAD, the C allele has an overall frequency of 0.003% (9/278672) total alleles studied. The highest observed frequency was 0.014% (1/7110) of Other alleles. Based on insufficient or conflicting evidence, the clinical significance of this alteration remains unclear.